The following is an entry in ClinVar:

ClinVar aggregate classification (germline): Uncertain significance (1 of 4 stars; one submission).

Conditions:
Desmin-related myofibrillar myopathy (MFM1). Also called: MYOFIBRILLAR MYOPATHY WITH ARRHYTHMOGENIC RIGHT VENTRICULAR CARDIOMYOPATHY; DESMIN-RELATED MYOPATHY WITH ARRHYTHMOGENIC RIGHT VENTRICULAR CARDIOMYOPATHY; Desminopathy; Desmin related myopathy (former name); Desmin storage myopathy (former name); Myofibrillar myopathy 1. Identifiers: Orphanet 363543, Orphanet 98909, MedGen C1832370, MONDO:0011076, OMIM 601419.

Submission:

Labcorp Genetics (formerly Invitae), Labcorp
Classification: Uncertain significance for Desmin-related myofibrillar myopathy. Last evaluated: 2019-12-23. Review status: criteria provided, single submitter. Criteria: Invitae Variant Classification Sherloc (09022015). Collection method: clinical testing. Allele origin: germline.
Comment: In summary, the available evidence is currently insufficient to determine the role of this variant in disease. Therefore, it has been classified as a Variant of Uncertain Significance. This variant has been reported to affect DES protein function (PMID: 19005210). This variant has been observed in individual(s) with DES-related conditions (PMID: 16449718, 14724127). This variant is also known as Glu245Asp in the literature. This variant is not present in population databases (ExAC no frequency). This sequence change replaces glutamic acid with aspartic acid at codon 246 of the DES protein (p.Glu246Asp). The glutamic acid residue is highly conserved and there is a small physicochemical difference between glutamic acid and aspartic acid.

Literature cited by the submitters: PubMed 19005210; PubMed 16449718; PubMed 14724127.

NM_001927.4(DES):c.738G>C (p.Glu246Asp)

Gene: DES (desmin; plus strand). Cytogenetic location: 2q35.
Variant type: single nucleotide variant.
Coding change: c.738G>C on transcript NM_001927.4 (MANE Select); coding-DNA position 738, G replaced by C.
Protein change: p.Glu246Asp; replaces glutamic acid 246 with aspartic acid.
Molecular consequence: missense variant.
Genome position (GRCh38, 1-based): chr2:219,420,497, G>C. VCF-style: chr2-219420497-G-C. GRCh37 (hg19) VCF-style: chr2-220285219-G-C.
Other names: short protein forms E246D.
Identifiers: ClinVar variation 835925 (VCV000835925.11), dbSNP rs1954417703, ClinGen allele CA350690716.